The following is an entry in ClinVar:

NM_002471.4(MYH6):c.4359+1del

Gene: MYH6 (myosin heavy chain 6; minus strand). Cytogenetic location: 14q11.2.
Variant type: Deletion.
Coding change: c.4359+1del on transcript NM_002471.4 (MANE Select); the canonical splice donor site of the intron after coding-DNA position 4359, one base deleted (G; older notation c.4359+1delG).
Molecular consequence: splice donor variant.
Genome position (GRCh38, 1-based): chr14:23,388,154, C deleted on the plus strand (G on the coding strand, the reverse complement: MYH6 is on the minus strand); the first of 2 consecutive C bases (chr14:23,388,154-23,388,155); deleting either gives the same sequence. VCF-style (leftmost placement, unchanged base first): chr14-23388153-AC-A. GRCh37 (hg19) VCF-style: chr14-23857362-AC-A.
Identifiers: ClinVar variation 1391090 (VCV001391090.6), dbSNP rs2138588421, ClinGen allele CA2573149842.

ClinVar aggregate classification (germline): Uncertain significance (1 of 4 stars; one submission).

Conditions:
Hypertrophic cardiomyopathy 14. Identifiers: MedGen C2750467, MONDO:0013197, OMIM 613251.

Submission:

Labcorp Genetics (formerly Invitae), Labcorp
Classification: Uncertain significance for Hypertrophic cardiomyopathy 14. Last evaluated: 2022-08-16. Review status: criteria provided, single submitter. Criteria: Invitae Variant Classification Sherloc (09022015). Collection method: clinical testing. Allele origin: germline.
Comment: ClinVar contains an entry for this variant (Variation ID: 1391090). In summary, the available evidence is currently insufficient to determine the role of this variant in disease. Therefore, it has been classified as a Variant of Uncertain Significance. Algorithms developed to predict the effect of sequence changes on RNA splicing suggest that this variant may disrupt the consensus splice site. This variant is also known as c.4359+1del. This variant has not been reported in the literature in individuals affected with MYH6-related conditions. This variant is not present in population databases (gnomAD no frequency). This sequence change creates a premature translational stop signal (p.Ile1454Serfs*44) in the MYH6 gene. It is expected to result in an absent or disrupted protein product. However, the current clinical and genetic evidence is not sufficient to establish whether loss-of-function variants in MYH6 cause disease.